The following is an entry in ClinVar:

ClinVar aggregate classification (germline): Pathogenic/Likely pathogenic. Review status: criteria provided, multiple submitters, no conflicts (2 of 4 stars). 2 submissions from 2 submitters: Pathogenic (1); Likely pathogenic (1). Last evaluated 2026-03-21.

Conditions:
Alagille syndrome due to a JAG1 point mutation. Also called: Alagille Syndrome 1; JAG1-Related Alagille Syndrome; HEPATIC DUCTULAR HYPOPLASIA, SYNDROMATIC. Identifiers: Orphanet 261619, Orphanet 52, MedGen C1956125, MONDO:0016862, OMIM 118450.

Submissions (2):

GeneDx
Classification: Likely pathogenic. Last evaluated: 2026-03-21. Review status: criteria provided, single submitter. Criteria: GeneDx Variant Classification Process June 2021. Collection method: clinical testing. Allele origin: germline.
Comment: Canonical splice site variant predicted to result in an in-frame loss of the adjacent exon in a gene for which loss of function is a known mechanism of disease; Not observed at significant frequency in large population cohorts (gnomAD); This variant is associated with the following publications: (PMID: 32190976)

Undiagnosed Diseases Network, NIH
Classification: Pathogenic for Alagille syndrome due to a JAG1 point mutation. Last evaluated: 2017-07-20. Review status: criteria provided, single submitter. Criteria: ACMG Guidelines, 2015. Collection method: clinical testing. Allele origin: paternal. Inheritance: Autosomal dominant inheritance. Affected: yes. Observed: 1 variant allele, 1 heterozygote. Study: Undiagnosed Diseases Network (NIH), UDN.

NM_000214.3(JAG1):c.2113+1G>T

Gene: JAG1 (jagged canonical Notch ligand 1; minus strand). Cytogenetic location: 20p12.2.
Variant type: single nucleotide variant.
Coding change: c.2113+1G>T on transcript NM_000214.3 (MANE Select); the canonical splice donor site of the intron after coding-DNA position 2113, G replaced by T.
Molecular consequence: splice donor variant.
Genome position (GRCh38, 1-based): chr20:10,645,355, C>A on the plus strand (G>T on the coding strand, the complement: JAG1 is on the minus strand). VCF-style: chr20-10645355-C-A. GRCh37 (hg19) VCF-style: chr20-10626003-C-A.
Identifiers: ClinVar variation 584458 (VCV000584458.4), dbSNP rs1294950721, ClinGen allele CA408235372.